The following is an entry in ClinVar:

NM_017886.4(ULK4):c.1042A>G (p.Ser348Gly)

Gene: ULK4 (unc-51 like kinase 4; minus strand). Cytogenetic location: 3p22.1.
Variant type: single nucleotide variant.
Coding change: c.1042A>G on transcript NM_017886.4 (MANE Select); coding-DNA position 1042, A replaced by G.
Protein change: p.Ser348Gly; replaces serine 348 with glycine.
Molecular consequence: missense variant.
Genome position (GRCh38, 1-based): chr3:41,911,360, T>C on the plus strand (A>G on the coding strand, the complement: ULK4 is on the minus strand). VCF-style: chr3-41911360-T-C. GRCh37 (hg19) VCF-style: chr3-41952852-T-C.
Other names: c.1042A>G, p.Ser348Gly (NM_001322500.2); c.136A>G, p.Ser46Gly (NM_001322501.2); short protein forms S348G, S46G.
Identifiers: ClinVar variation 3059632 (VCV003059632.2), dbSNP rs35263917, ClinGen allele CA2332479.

ClinVar aggregate classification (germline): Benign (0 of 4 stars; one submission).

Conditions:
ULK4-related disorder. Also called: ULK4-related condition.

Allele frequency attached by ClinVar (database versions not stated): 1000 Genomes Project 30x 0.08370; 1000 Genomes Project 0.08407; TOPMed 0.11549; ExAC 0.12439; gnomAD 0.12448; ESP Exome Variant Server 0.12758.
gnomAD v4.1: 220,972 of 1,613,508 alleles (14%); highest among the groups gnomAD compares: Middle Eastern, 22%; 16,137 homozygotes.

Submission:

PreventionGenetics, part of Exact Sciences
Classification: Benign for ULK4-related condition. Last evaluated: 2019-10-21. Review status: no assertion criteria provided. Collection method: clinical testing. Allele origin: germline.
Comment: This variant is classified as benign based on ACMG/AMP sequence variant interpretation guidelines (Richards et al. 2015 PMID: 25741868, with internal and published modifications).